The following is an entry in ClinVar:

NM_001854.4(COL11A1):c.4400A>G (p.Gln1467Arg)

Gene: COL11A1 (collagen type XI alpha 1 chain; minus strand). Cytogenetic location: 1p21.1.
Variant type: single nucleotide variant.
Coding change: c.4400A>G on transcript NM_001854.4 (MANE Select); coding-DNA position 4400, A replaced by G.
Protein change: p.Gln1467Arg; replaces glutamine 1467 with arginine.
Molecular consequence: missense variant. On other transcripts: non-coding transcript variant (1).
Genome position (GRCh38, 1-based): chr1:102,889,519, T>C on the plus strand (A>G on the coding strand, the complement: COL11A1 is on the minus strand). VCF-style: chr1-102889519-T-C. GRCh37 (hg19) VCF-style: chr1-103355075-T-C.
Other names: c.4283A>G, p.Gln1428Arg (NM_001190709.2); c.4436A>G, p.Gln1479Arg (NM_080629.3); c.4052A>G, p.Gln1351Arg (NM_080630.4); short protein forms Q1479R, Q1351R, Q1428R, Q1467R.
Identifiers: ClinVar variation 3655790 (VCV003655790.2).
Genomic context (GRCh38, chr1:102,889,519, plus strand): 5'-TCCCCTTTTGCTCCTGGAGATCCTTGAGTTCCAGGGAGCCCTCGGTCACCTTTTTCCCCT[T>C]GTTCTCCTGGAGGACCAATCAGGCCAATTAAACCAGGATGTCCCTTTGAAAGGCAGAGAA-3'
Protein context (NP_001845.3, residues 1457-1477): LIGLIGPPGE[Gln1467Arg]GEKGDRGLPG

ClinVar aggregate classification (germline): Uncertain significance (1 of 4 stars; one submission).

Submission:

Labcorp Genetics (formerly Invitae), Labcorp
Classification: Uncertain significance. Last evaluated: 2024-06-06. Review status: criteria provided, single submitter. Criteria: Invitae Variant Classification Sherloc (09022015). Collection method: clinical testing. Allele origin: germline.
Comment: This sequence change replaces glutamine, which is neutral and polar, with arginine, which is basic and polar, at codon 1467 of the COL11A1 protein (p.Gln1467Arg). This variant is not present in population databases (gnomAD no frequency). This variant has not been reported in the literature in individuals affected with COL11A1-related conditions. Advanced modeling of protein sequence and biophysical properties (such as structural, functional, and spatial information, amino acid conservation, physicochemical variation, residue mobility, and thermodynamic stability) performed at Invitae indicates that this missense variant is not expected to disrupt COL11A1 protein function with a negative predictive value of 95%. In summary, the available evidence is currently insufficient to determine the role of this variant in disease. Therefore, it has been classified as a Variant of Uncertain Significance.